The following is an entry in ClinVar:

NM_001365999.1(SZT2):c.8258G>A (p.Gly2753Asp)

Gene: SZT2 (SZT2 subunit of KICSTOR complex; plus strand). Cytogenetic location: 1p34.2.
Variant type: single nucleotide variant.
Coding change: c.8258G>A on transcript NM_001365999.1 (MANE Select); coding-DNA position 8258, G replaced by A.
Protein change: p.Gly2753Asp; replaces glycine 2753 with aspartic acid.
Molecular consequence: missense variant.
Genome position (GRCh38, 1-based): chr1:43,442,925, G>A. VCF-style: chr1-43442925-G-A. GRCh37 (hg19) VCF-style: chr1-43908596-G-A.
Other names: c.8087G>A, p.Gly2696Asp (NM_015284.4); short protein forms G2696D, G2753D.
Identifiers: ClinVar variation 656911 (VCV000656911.9), dbSNP rs752993966, ClinGen allele CA810499.

ClinVar aggregate classification (germline): Uncertain significance. Review status: criteria provided, multiple submitters, no conflicts (2 of 4 stars). 4 submissions from 4 submitters: Uncertain significance (4). Last evaluated 2023-04-11.

Conditions:
Inborn genetic diseases. Identifiers: MedGen C0950123, MeSH D030342.
Developmental and epileptic encephalopathy, 18 (DEE18). Also called: Early infantile epileptic encephalopathy 18. Identifiers: Orphanet 369894, MedGen C3809624, MONDO:0014201, OMIM 615476.

Allele frequency attached by ClinVar (database versions not stated): ExAC 0.00002; gnomAD exomes 0.00002; gnomAD 0.00004; TOPMed 0.00005.
gnomAD v4.1: 62 of 1,614,008 alleles (0.0038%); highest among the groups gnomAD compares: Non-Finnish European, 0.0047%; 1 homozygote.

Submissions (4):

Genome-Nilou Lab
Classification: Uncertain significance for Developmental and epileptic encephalopathy, 18. Last evaluated: 2023-04-11. Review status: criteria provided, single submitter. Criteria: ACMG Guidelines, 2015. Collection method: clinical testing. Allele origin: germline. Affected: no.

Blueprint Genetics
Classification: Uncertain significance. Last evaluated: 2022-11-09. Review status: criteria provided, single submitter. Criteria: ACMG Guidelines, 2015. Collection method: clinical testing. Allele origin: germline.

Labcorp Genetics (formerly Invitae), Labcorp
Classification: Uncertain significance. Last evaluated: 2022-10-13. Review status: criteria provided, single submitter. Criteria: Invitae Variant Classification Sherloc (09022015). Collection method: clinical testing. Allele origin: germline.
Comment: This sequence change replaces glycine, which is neutral and non-polar, with aspartic acid, which is acidic and polar, at codon 2696 of the SZT2 protein (p.Gly2696Asp). This variant is present in population databases (rs752993966, gnomAD 0.005%). This variant has not been reported in the literature in individuals affected with SZT2-related conditions. ClinVar contains an entry for this variant (Variation ID: 656911). Advanced modeling of protein sequence and biophysical properties (such as structural, functional, and spatial information, amino acid conservation, physicochemical variation, residue mobility, and thermodynamic stability) performed at Invitae indicates that this missense variant is not expected to disrupt SZT2 protein function. In summary, the available evidence is currently insufficient to determine the role of this variant in disease. Therefore, it has been classified as a Variant of Uncertain Significance.

Ambry Genetics
Classification: Uncertain significance for Inborn genetic diseases. Last evaluated: 2017-12-18. Review status: criteria provided, single submitter. Criteria: Ambry Variant Classification Scheme 2023. Collection method: clinical testing. Allele origin: germline.
Comment: The p.G2696D variant (also known as c.8087G>A), located in coding exon 58 of the SZT2 gene, results from a G to A substitution at nucleotide position 8087. The glycine at codon 2696 is replaced by aspartic acid, an amino acid with similar properties. This amino acid position is not well conserved in available vertebrate species. In addition, this alteration is predicted to be tolerated by in silico analysis. Since supporting evidence is limited at this time, the clinical significance of this alteration remains unclear.